The following is an entry in ClinVar:

ClinVar aggregate classification (germline): Uncertain significance (1 of 4 stars; one submission).

Submission:

Labcorp Genetics (formerly Invitae), Labcorp
Classification: Uncertain significance. Last evaluated: 2022-11-03. Review status: criteria provided, single submitter. Criteria: Invitae Variant Classification Sherloc (09022015). Collection method: clinical testing. Allele origin: germline.
Comment: In summary, the available evidence is currently insufficient to determine the role of this variant in disease. Therefore, it has been classified as a Variant of Uncertain Significance. Algorithms developed to predict the effect of missense changes on protein structure and function (SIFT, PolyPhen-2, Align-GVGD) all suggest that this variant is likely to be tolerated. This variant has not been reported in the literature in individuals affected with GEN1-related conditions. This variant is not present in population databases (gnomAD no frequency). This sequence change replaces tyrosine, which is neutral and polar, with phenylalanine, which is neutral and non-polar, at codon 456 of the GEN1 protein (p.Tyr456Phe).

NM_001130009.3(GEN1):c.1367A>T (p.Tyr456Phe)

Gene: GEN1 (GEN1 structure-specific endonuclease; plus strand). Cytogenetic location: 2p24.2.
Variant type: single nucleotide variant.
Coding change: c.1367A>T on transcript NM_001130009.3 (MANE Select); coding-DNA position 1367, A replaced by T.
Protein change: p.Tyr456Phe; replaces tyrosine 456 with phenylalanine.
Molecular consequence: missense variant.
Genome position (GRCh38, 1-based): chr2:17,780,080, A>T. VCF-style: chr2-17780080-A-T. GRCh37 (hg19) VCF-style: chr2-17961347-A-T.
Other names: c.1367A>T, p.Tyr456Phe (NM_182625.5); short protein forms Y456F.
Identifiers: ClinVar variation 2811882 (VCV002811882.3), dbSNP rs377548400, ClinGen allele CA345924008.